The following is an entry in ClinVar:

ClinVar aggregate classification (germline): Likely benign. Review status: criteria provided, multiple submitters, no conflicts (2 of 4 stars). 3 submissions from 3 submitters: Likely benign (3). Last evaluated 2023-03-01.

Conditions:
Mucopolysaccharidosis, MPS-IV-A (MPS4A). Also called: mucopolysaccharidosis type 4A; MPS IVA; Morquio syndrome A, mild; GALACTOSAMINE-6-SULFATASE DEFICIENCY; GALNS DEFICIENCY; MORQUIO A DISEASE. Identifiers: Orphanet 309297, Orphanet 582, MedGen C0086651, MONDO:0009659, OMIM 253000.

Allele frequency attached by ClinVar (database versions not stated): 1000 Genomes Project 30x 0.00281; 1000 Genomes Project 0.00319; TOPMed 0.00528; gnomAD 0.00672 and 0.00701; gnomAD exomes 0.00805.
gnomAD v4.1: 4,631 of 601,032 alleles (0.77%); highest among the groups gnomAD compares: Non-Finnish European, 0.95%; 41 homozygotes.

Submissions (3):

CeGaT Center for Human Genetics Tuebingen
Classification: Likely benign. Last evaluated: 2023-03-01. Review status: criteria provided, single submitter. Criteria: CeGaT Center For Human Genetics Tuebingen Variant Classification Criteria Version 2. Collection method: clinical testing. Allele origin: germline. Affected: yes. Observed: 2 variant alleles.
Comment: GALNS: BS1

GeneDx
Classification: Likely benign. Last evaluated: 2020-12-14. Review status: criteria provided, single submitter. Criteria: GeneDx Variant Classification Process June 2021. Collection method: clinical testing. Allele origin: germline. Affected: yes.
Comment: See Variant Classification Assertion Criteria.

Illumina Laboratory Services, Illumina
Classification: Likely benign for Mucopolysaccharidosis, MPS-IV-A. Last evaluated: 2018-01-12. Review status: criteria provided, single submitter. Criteria: ICSL Variant Classification Criteria 13 December 2019. Collection method: clinical testing. Allele origin: germline.
Comment: This variant was observed in the ICSL laboratory as part of a predisposition screen in an ostensibly healthy population. It had not been previously curated by ICSL or reported in the Human Gene Mutation Database (HGMD: prior to June 1st, 2018), and was therefore a candidate for classification through an automated scoring system. Utilizing variant allele frequency, disease prevalence and penetrance estimates, and inheritance mode, an automated score was calculated to assess if this variant is too frequent to cause the disease. Based on the score and internal cut-off values, a variant classified as likely benign is not then subjected to further curation. The score for this variant resulted in a classification of likely benign for this disease.

NM_000512.5(GALNS):c.*236C>T

Gene: GALNS (galactosamine (N-acetyl)-6-sulfatase; minus strand). Cytogenetic location: 16q24.3.
Variant type: single nucleotide variant.
Coding change: c.*236C>T on transcript NM_000512.5 (MANE Select); 236 bases downstream of the stop codon, C replaced by T.
Molecular consequence: 3 prime UTR variant.
Genome position (GRCh38, 1-based): chr16:88,814,203, G>A on the plus strand (C>T on the coding strand, the complement: GALNS is on the minus strand). VCF-style: chr16-88814203-G-A. GRCh37 (hg19) VCF-style: chr16-88880611-G-A.
Other names: c.*236C>T (NM_001323543.2, NM_001323544.2).
Identifiers: ClinVar variation 321180 (VCV000321180.32), dbSNP rs189375208, ClinGen allele CA10649279.